The following is an entry in ClinVar:

NM_198578.4(LRRK2):c.49A>C (p.Lys17Gln)

Gene: LRRK2 (leucine rich repeat kinase 2; plus strand). Cytogenetic location: 12q12.
Variant type: single nucleotide variant.
Coding change: c.49A>C on transcript NM_198578.4 (MANE Select); coding-DNA position 49, A replaced by C.
Protein change: p.Lys17Gln; replaces lysine 17 with glutamine.
Molecular consequence: missense variant.
Genome position (GRCh38, 1-based): chr12:40,225,180, A>C. VCF-style: chr12-40225180-A-C. GRCh37 (hg19) VCF-style: chr12-40618982-A-C.
Other names: short protein forms K17Q.
Identifiers: ClinVar variation 1744655 (VCV001744655.2), dbSNP rs1940803086, ClinGen allele CA384398366.

ClinVar aggregate classification (germline): Uncertain significance (1 of 4 stars; one submission).

Conditions:
Inborn genetic diseases. Identifiers: MedGen C0950123, MeSH D030342.

Allele frequency attached by ClinVar (database versions not stated): TOPMed below 0.00001.
gnomAD v4.1: 1 of 1,614,188 alleles (0.000062%); no homozygotes.

Submission:

Ambry Genetics
Classification: Uncertain significance for Inborn genetic diseases. Last evaluated: 2021-07-16. Review status: criteria provided, single submitter. Criteria: Ambry Variant Classification Scheme 2023. Collection method: clinical testing. Allele origin: germline.
Comment: The p.K17Q variant (also known as c.49A>C), located in coding exon 1 of the LRRK2 gene, results from an A to C substitution at nucleotide position 49. The lysine at codon 17 is replaced by glutamine, an amino acid with similar properties. This amino acid position is conserved. In addition, this alteration is predicted to be tolerated by in silico analysis. Since supporting evidence is limited at this time, the clinical significance of this alteration remains unclear.